The following is an entry in ClinVar:

ClinVar aggregate classification (germline): Uncertain significance. Review status: criteria provided, multiple submitters, no conflicts (2 of 4 stars). 3 submissions from 3 submitters: Uncertain significance (3). Last evaluated 2025-10-02.

Conditions:
Malignant hyperthermia, susceptibility to, 1 (MHS1). Also called: Anesthesia related hyperthermia; Malignant hyperpyrexia; Fulminating hyperpyrexia; Pharmacogenic myopathy; RYR1-Related Malignant Hyperthermia Susceptibility; Malignant hyperthermia suceptibility 1. Identifiers: Orphanet 423, MedGen C2930980, MONDO:0007783, OMIM 145600.
RYR1-related disorder. Also called: RYR1-related disorders; RYR1-related condition. Identifiers: MedGen CN239331.

Allele frequency attached by ClinVar (database versions not stated): ExAC 0.00002; gnomAD 0.00003; ESP Exome Variant Server 0.00008.
gnomAD v4.1: 8 of 1,613,568 alleles (0.0005%); highest among the groups gnomAD compares: African/African-American, 0.0013%; no homozygotes.

Submissions (3):

Labcorp Genetics (formerly Invitae), Labcorp
Classification: Uncertain significance for RYR1-related disorder. Last evaluated: 2025-10-02. Review status: criteria provided, single submitter. Criteria: Invitae Variant Classification Sherloc (09022015). Collection method: clinical testing. Allele origin: germline.
Comment: This sequence change replaces leucine, which is neutral and non-polar, with phenylalanine, which is neutral and non-polar, at codon 5037 of the RYR1 protein (p.Leu5037Phe). This variant is present in population databases (rs140584202, gnomAD 0.004%). This variant has not been reported in the literature in individuals affected with RYR1-related conditions. ClinVar contains an entry for this variant (Variation ID: 2150052). Invitae Evidence Modeling of protein sequence and biophysical properties (such as structural, functional, and spatial information, amino acid conservation, physicochemical variation, residue mobility, and thermodynamic stability) has been performed for this missense variant. However, the output from this modeling did not meet the statistical confidence thresholds required to predict the impact of this variant on RYR1 protein function. In summary, the available evidence is currently insufficient to determine the role of this variant in disease. Therefore, it has been classified as a Variant of Uncertain Significance.

GeneDx
Classification: Uncertain significance. Last evaluated: 2025-03-24. Review status: criteria provided, single submitter. Criteria: GeneDx Variant Classification Process June 2021. Collection method: clinical testing. Allele origin: germline. Affected: yes.
Comment: Not observed at significant frequency in large population cohorts (gnomAD); In silico analysis supports that this missense variant has a deleterious effect on protein structure/function; Has not been previously published as pathogenic or benign to our knowledge

Color Diagnostics, LLC DBA Color Health
Classification: Uncertain significance for Malignant hyperthermia, susceptibility to, 1. Last evaluated: 2024-03-07. Review status: criteria provided, single submitter. Criteria: ACMG Guidelines, 2015. Collection method: clinical testing. Allele origin: germline.
Comment: This missense variant replaces leucine with phenylalanine at codon 5037 of the RYR1 protein. Computational prediction is inconclusive regarding the impact of this variant on protein structure and function. To our knowledge, functional studies have not been reported for this variant. This variant has not been reported in individuals affected with malignant hyperthermia in the literature. This variant has been identified in 4/282770 chromosomes in the general population by the Genome Aggregation Database (gnomAD). The available evidence is insufficient to determine the role of this variant in disease conclusively. Therefore, this variant is classified as a Variant of Uncertain Significance.

NM_000540.3(RYR1):c.15109C>T (p.Leu5037Phe)

Gene: RYR1 (ryanodine receptor 1; plus strand). Cytogenetic location: 19q13.2.
Variant type: single nucleotide variant.
Coding change: c.15109C>T on transcript NM_000540.3 (MANE Select); coding-DNA position 15109, C replaced by T.
Protein change: p.Leu5037Phe; replaces leucine 5037 with phenylalanine.
Molecular consequence: missense variant.
Genome position (GRCh38, 1-based): chr19:38,587,412, C>T. VCF-style: chr19-38587412-C-T. GRCh37 (hg19) VCF-style: chr19-39078052-C-T.
Other names: c.15094C>T, p.Leu5032Phe (NM_001042723.2); short protein forms L5032F, L5037F.
Identifiers: ClinVar variation 2150052 (VCV002150052.5), dbSNP rs140584202, ClinGen allele CA062058.